The following is an entry in ClinVar:

ClinVar aggregate classification (germline): Uncertain significance (1 of 4 stars; one submission).

Allele frequency attached by ClinVar (database versions not stated): gnomAD exomes 0.00001 and 0.00003; gnomAD 0.00003 and 0.00004; TOPMed 0.00003; ExAC 0.00004.
gnomAD v4.1: 25 of 1,600,778 alleles (0.0016%); highest among the groups gnomAD compares: Admixed American, 0.031%; no homozygotes.

Submission:

Women's Health and Genetics/Laboratory Corporation of America, LabCorp
Classification: Uncertain significance. Last evaluated: 2023-09-29. Review status: criteria provided, single submitter. Criteria: LabCorp Variant Classification Summary - May 2015. Collection method: clinical testing. Allele origin: germline.
Comment: Variant summary: DPP6 c.1820C>T (p.Pro607Leu) results in a non-conservative amino acid change in the encoded protein sequence. Three of five in-silico tools predict a benign effect of the variant on protein function. The variant allele was found at a frequency of 3.5e-05 in 228838 control chromosomes, predominantly at a frequency of 0.00024 within the Latino subpopulation in the gnomAD database. The available data on variant occurrences in the general population are insufficient to allow any conclusion about variant significance. To our knowledge, no occurrence of c.1820C>T in individuals affected with Mental Retardation, Autosomal Dominant 33 and no experimental evidence demonstrating its impact on protein function have been reported. No submitters have cited clinical-significance assessments for this variant to ClinVar after 2014. Based on the evidence outlined above, the variant was classified as uncertain significance.

NM_130797.4(DPP6):c.1820C>T (p.Pro607Leu)

Gene: DPP6 (dipeptidyl peptidase like 6; plus strand). Cytogenetic location: 7q36.2.
Variant type: single nucleotide variant.
Coding change: c.1820C>T on transcript NM_130797.4 (MANE Select); coding-DNA position 1820, C replaced by T.
Protein change: p.Pro607Leu; replaces proline 607 with leucine.
Molecular consequence: missense variant. On other transcripts: non-coding transcript variant (1).
Genome position (GRCh38, 1-based): chr7:154,872,630, C>T. VCF-style: chr7-154872630-C-T. GRCh37 (hg19) VCF-style: chr7-154664340-C-T.
Other names: c.1628C>T, p.Pro543Leu (NM_001039350.3); c.1499C>T, p.Pro500Leu (NM_001290252.2); c.1637C>T, p.Pro546Leu (NM_001364497.2, NM_001364498.2, NM_001364499.2 and 1 more transcripts); c.1634C>T, p.Pro545Leu (NM_001936.5); short protein forms P500L, P543L, P545L, P546L, P607L.
Identifiers: ClinVar variation 987790 (VCV000987790.2), dbSNP rs760754791, ClinGen allele CA4583698.